The following is an entry in ClinVar:

NM_014297.5(ETHE1):c.2T>A (p.Met1Lys)

Genes: ETHE1 (ETHE1 persulfide dioxygenase; minus strand), LOC130064595 (ATAC-STARR-seq lymphoblastoid silent region 10721; plus strand). Cytogenetic location: 19q13.31.
Variant type: single nucleotide variant.
Coding change: c.2T>A on transcript NM_014297.5 (MANE Select); coding-DNA position 2, T replaced by A.
Protein change: p.Met1Lys; changes the start codon (methionine 1).
Molecular consequence: missense variant, initiator codon variant. On other transcripts: 5 prime UTR variant (1).
Genome position (GRCh38, 1-based): chr19:43,527,176, A>T on the plus strand (T>A on the coding strand, the complement: ETHE1 is on the minus strand). VCF-style: chr19-43527176-A-T. GRCh37 (hg19) VCF-style: chr19-44031328-A-T.
Other names: c.2T>A, p.Met1Lys (NM_001320867.2, NM_001320869.2); c.-219T>A (NM_001320868.2); short protein forms M1K.
Identifiers: ClinVar variation 2152319 (VCV002152319.5), dbSNP rs1470124674, ClinGen allele CA406182602.
Genomic context (GRCh38, chr19:43,527,176, plus strand): 5'-GCTCCAGACCCGCCGCGCTGGCTCAGCTGCCGCCGGGCGACCCTCAGTACAGCCTCCGCC[A>T]TCGCGCCCACTGCGGGGTCAGGAATGAGCGGAGGCCGAGCGCCTGCAGGAGCCGGGCGCT-3'
Protein context (NP_055112.2, residues 1-11): [Met1Lys]AEAVLRVARR

ClinVar aggregate classification (germline): Pathogenic (1 of 4 stars; one submission).

Conditions:
Ethylmalonic encephalopathy (EE). Also called: EPEMA syndrome; Encephalopathy, petechiae, and ethylmalonic aciduria; Syndrome of encephalopathy, petechiae, and ethylmalonic aciduria. Identifiers: Orphanet 51188, MedGen C1865349, MONDO:0011229, OMIM 602473. Disease mechanism: loss of function.

Submission:

Labcorp Genetics (formerly Invitae), Labcorp
Classification: Pathogenic for Ethylmalonic encephalopathy. Last evaluated: 2022-03-05. Review status: criteria provided, single submitter. Criteria: Invitae Variant Classification Sherloc (09022015). Collection method: clinical testing. Allele origin: germline.
Comment: For these reasons, this variant has been classified as Pathogenic. Studies have shown that disruption of the initiator codon alters ETHE1 gene expression (PMID: 32923369). Disruption of the initiator codon has been observed in individual(s) with ethylmalonic encephalopathy (PMID: 14732903, 25058219, 30298498, 32923369). In at least one individual the data is consistent with being in trans (on the opposite chromosome) from a pathogenic variant. This variant is not present in population databases (gnomAD no frequency). This sequence change affects the initiator methionine of the ETHE1 mRNA. The next in-frame methionine is located at codon 28.

Literature cited by the submitters: PubMed 32923369; PubMed 14732903; PubMed 25058219; PubMed 30298498.